The following is an entry in ClinVar:

NM_004385.5(VCAN):c.5820A>C (p.Glu1940Asp)

Genes: VCAN (versican; plus strand), VCAN-AS1 (VCAN antisense RNA 1; minus strand). Cytogenetic location: 5q14.3.
Variant type: single nucleotide variant.
Coding change: c.5820A>C on transcript NM_004385.5 (MANE Select); coding-DNA position 5820, A replaced by C.
Protein change: p.Glu1940Asp; replaces glutamic acid 1940 with aspartic acid.
Molecular consequence: missense variant. On other transcripts: intron variant (2).
Genome position (GRCh38, 1-based): chr5:83,538,823, A>C. VCF-style: chr5-83538823-A-C. GRCh37 (hg19) VCF-style: chr5-82834642-A-C.
Other names: c.2859A>C, p.Glu953Asp (NM_001164097.2); c.4004-6714A>C (NM_001164098.2); c.1043-6714A>C (NM_001126336.3); short protein forms E953D, E1940D.
Identifiers: ClinVar variation 1386869 (VCV001386869.6), dbSNP rs1561255648, ClinGen allele CA360311224.

ClinVar aggregate classification (germline): Uncertain significance (1 of 4 stars; one submission).

Allele frequency attached by ClinVar (database versions not stated): gnomAD exomes below 0.00001.
gnomAD v4.1: 21 of 1,613,972 alleles (0.0013%); highest among the groups gnomAD compares: Non-Finnish European, 0.0018%; no homozygotes.

Submission:

Labcorp Genetics (formerly Invitae), Labcorp
Classification: Uncertain significance. Last evaluated: 2024-02-24. Review status: criteria provided, single submitter. Criteria: Invitae Variant Classification Sherloc (09022015). Collection method: clinical testing. Allele origin: germline.
Comment: This sequence change replaces glutamic acid, which is acidic and polar, with aspartic acid, which is acidic and polar, at codon 1940 of the VCAN protein (p.Glu1940Asp). This variant is not present in population databases (gnomAD no frequency). This variant has not been reported in the literature in individuals affected with VCAN-related conditions. ClinVar contains an entry for this variant (Variation ID: 1386869). Algorithms developed to predict the effect of missense changes on protein structure and function output the following: SIFT: "Not Available"; PolyPhen-2: "Benign"; Align-GVGD: "Not Available". The aspartic acid amino acid residue is found in multiple mammalian species, which suggests that this missense change does not adversely affect protein function. In summary, the available evidence is currently insufficient to determine the role of this variant in disease. Therefore, it has been classified as a Variant of Uncertain Significance.